The following is an entry in ClinVar:

NM_006231.4(POLE):c.4952+5G>T

Gene: POLE (DNA polymerase epsilon, catalytic subunit; minus strand). Cytogenetic location: 12q24.33.
Variant type: single nucleotide variant.
Coding change: c.4952+5G>T on transcript NM_006231.4 (MANE Select); 5 bases into the intron after coding-DNA position 4952, G replaced by T.
Molecular consequence: intron variant.
Genome position (GRCh38, 1-based): chr12:132,642,501, C>A on the plus strand (G>T on the coding strand, the complement: POLE is on the minus strand). VCF-style: chr12-132642501-C-A. GRCh37 (hg19) VCF-style: chr12-133219087-C-A.
Identifiers: ClinVar variation 2739061 (VCV002739061.3), dbSNP rs1555222548, ClinGen allele CA2697551575.

ClinVar aggregate classification (germline): Uncertain significance (1 of 4 stars; one submission).

Submission:

Labcorp Genetics (formerly Invitae), Labcorp
Classification: Uncertain significance. Last evaluated: 2023-07-08. Review status: criteria provided, single submitter. Criteria: Invitae Variant Classification Sherloc (09022015). Collection method: clinical testing. Allele origin: germline.
Comment: In summary, the available evidence is currently insufficient to determine the role of this variant in disease. Therefore, it has been classified as a Variant of Uncertain Significance. Variants that disrupt the consensus splice site are a relatively common cause of aberrant splicing (PMID: 17576681, 9536098). Algorithms developed to predict the effect of sequence changes on RNA splicing suggest that this variant is not likely to affect RNA splicing. This variant has not been reported in the literature in individuals affected with POLE-related conditions. This variant is not present in population databases (gnomAD no frequency). This sequence change falls in intron 37 of the POLE gene. It does not directly change the encoded amino acid sequence of the POLE protein. It affects a nucleotide within the consensus splice site.

Literature cited by the submitters: PubMed 17576681; PubMed 9536098.